The following is an entry in ClinVar:

ClinVar aggregate classification (germline): Uncertain significance (1 of 4 stars; one submission).

Submission:

Labcorp Genetics (formerly Invitae), Labcorp
Classification: Uncertain significance. Last evaluated: 2023-08-24. Review status: criteria provided, single submitter. Criteria: Invitae Variant Classification Sherloc (09022015). Collection method: clinical testing. Allele origin: germline.
Comment: In summary, the available evidence is currently insufficient to determine the role of this variant in disease. Therefore, it has been classified as a Variant of Uncertain Significance. An algorithm developed to predict the effect of missense changes on protein structure and function (PolyPhen-2) suggests that this variant is likely to be disruptive. ClinVar contains an entry for this variant (Variation ID: 1388404). This variant has not been reported in the literature in individuals affected with CCDC88A-related conditions. This variant is not present in population databases (gnomAD no frequency). This sequence change replaces glutamine, which is neutral and polar, with proline, which is neutral and non-polar, at codon 1116 of the CCDC88A protein (p.Gln1116Pro).

NM_001365480.1(CCDC88A):c.3350A>C (p.Gln1117Pro)

Gene: CCDC88A (coiled-coil and HOOK domain protein 88A; minus strand). Cytogenetic location: 2p16.1.
Variant type: single nucleotide variant.
Coding change: c.3350A>C on transcript NM_001365480.1 (MANE Select); coding-DNA position 3350, A replaced by C.
Protein change: p.Gln1117Pro; replaces glutamine 1117 with proline.
Molecular consequence: missense variant.
Genome position (GRCh38, 1-based): chr2:55,317,816, T>G on the plus strand (A>C on the coding strand, the complement: CCDC88A is on the minus strand). VCF-style: chr2-55317816-T-G. GRCh37 (hg19) VCF-style: chr2-55544952-T-G.
Other names: c.3347A>C, p.Gln1116Pro (NM_001135597.2, NM_001254943.2); c.3350A>C, p.Gln1117Pro (NM_018084.5); short protein forms Q1116P, Q1117P.
Identifiers: ClinVar variation 1388404 (VCV001388404.8), dbSNP rs2104626288, ClinGen allele CA346892629.
Genomic context (GRCh38, chr2:55,317,816, plus strand): 5'-TTTTCTAAGGAAGACTGCTGGATTAGGAGTTGGGCATTCTGGTTCATGAGTGAGGTACTT[T>G]GGGAATTAAGGGTGGAATTTTCAACCTATAAGAATATATATTGTTATCAGACATAAGAAA-3'
Protein context (NP_001352409.1, residues 1107-1127): LQVENSTLNS[Gln1117Pro]STSLMNQNAQ